The following continues an entry in ClinVar:

NM_000152.5(GAA):c.1082C>T (p.Pro361Leu)

Gene: GAA. ClinVar aggregate classification (germline): Pathogenic. Pathogenic (1).

Submissions 9 to 11 of 11:

Beijing Key Laboratry for Genetics of Birth Defects, Beijing Children's Hospital
Classification: Likely pathogenic for Glycogen storage disease, type II. Last evaluated: 2020-02-28. Review status: criteria provided, single submitter. Criteria: ACMG Guidelines, 2015. Collection method: clinical testing. Allele origin: germline. Affected: yes. Observed: 1 variant allele. Not counted in ClinVar's aggregate classification.

Broad Center for Mendelian Genomics, Broad Institute of MIT and Harvard
Classification: Likely pathogenic for Glycogen storage disease, type II. Last evaluated: 2020-01-22. Review status: criteria provided, single submitter. Criteria: ACMG Guidelines, 2015. Collection method: curation. Allele origin: germline. Inheritance: Autosomal recessive inheritance. Not counted in ClinVar's aggregate classification.
Comment: The heterozygous p.Pro361Leu variant in GAA has been reported in at least 15 individuals (including 6 Chinese, 2 Italian, and 1 from the UK) with Glycogen Storage Disease II, segregated with disease in 2 affected siblings from 1 family (PMID: 30023291, 27692865, 26497565, 25526786, 25213570, 25139343, 21484825, 16917947, 12601120, 24169249, 26685070, 17915575), and has also been reported pathogenic by Claritas Genomics and Invitae in ClinVar (Variation ID: 403712). This variant has been identified in 0.006% (2/34496) of Latino chromosomes and 0.005% (1/21462) of European (Finnish) chromosomes by the Genome Aggregation Database (gnomAD; dbSNP rs755253527). Although this variant has been seen in the general population, its frequency is low enough to be consistent with a recessive carrier frequency. In vitro functional studies with a minigene assay and COS cells transfected with the variant provide some evidence that the p.Pro361Leu variant may eliminate proteolytically activated GAA and impact GAA activity (PMID: 22644586, 12601120). However, these types of assays may not accurately represent biological function. Computational prediction tools and conservation analyses suggest that this variant may impact the protein, though this information is not predictive enough to determine pathogenicity. This variant was reported in combination with reported pathogenic variants and in individuals with Glycogen Storage Disease II (PMID: 21484825, 12601120, 26497565, 16917947, 26685070, 30023291, 27692865, 25213570, 25139343). The phenotype of individuals heterozygous for this variant is highly specific for Glycogen Storage Disease II based on reduced GAA activity in relevant tissue (PMID: 21484825, 26497565, 25139343, 12601120). One additional variant at the same position, p.Pro361Arg, has been reported as a VUS in ClinVar (Variation ID: 289367). In summary, although additional studies are required to fully establish its clinical significance, this variant is likely pathogenic. ACMG/AMP Criteria applied: PS3, PM2, PP3, PP4 (Richards 2015).

Claritas Genomics
Classification: Pathogenic for Glycogen storage disease, type II. Last evaluated: 2016-10-06. Review status: criteria provided, single submitter. Criteria: ACMG Guidelines, 2015. Collection method: clinical testing. Allele origin: germline. Inheritance: Autosomal recessive inheritance. Not counted in ClinVar's aggregate classification.
Comment: The c.1082C>T (p.Pro361Leu) missense variant is previously reported in the literature and is expected to be causative of disease. This variant has been reported in multiple affected individuals across multiple studies. This variant is classified as Class B, which means potentially less severe (Kroos M et al. Hum Mutat. 2012;33(8):1161-5). Patients with this class of variant are CRIM-positive. This variant involves a highly conserved nucleotide and amino acid. PolyPhen-2, SIFT, and MutationTaster all predict this variant to be deleterious.

Literature cited by the submitters: PubMed 38958145 (cited by Genomenon, Inc); PubMed 38162137 (cited by Genomenon, Inc); PubMed 37542277 (cited by Genomenon, Inc); PubMed 36137614 (cited by Genomenon, Inc); PubMed 35833019 (cited by Genomenon, Inc); PubMed 34864681 (cited by Genomenon, Inc); PubMed 34647686 (cited by Genomenon, Inc); PubMed 34539730 (cited by Genomenon, Inc); PubMed 12601120 (cited by 4 submitters); PubMed 19862843 (cited by Genomenon, Inc); PubMed 22644586 (cited by 3 submitters); PubMed 16917947 (cited by Labcorp Genetics (formerly Invitae), Labcorp); PubMed 25213570 (cited by Labcorp Genetics (formerly Invitae), Labcorp and Natera, Inc.); PubMed 27344650 (cited by Labcorp Genetics (formerly Invitae), Labcorp); PubMed 30023291 (cited by Labcorp Genetics (formerly Invitae), Labcorp); PubMed 21484825 (cited by Natera, Inc. and Broad Center for Mendelian Genomics, Broad Institute of MIT and Harvard); PubMed 25139343 (cited by Natera, Inc.); PubMed 25526786 (cited by Natera, Inc. and Claritas Genomics); PubMed 26497565 (cited by Natera, Inc. and Claritas Genomics); PubMed 31086307 (cited by Women's Health and Genetics/Laboratory Corporation of America, LabCorp); PubMed 31931849 (cited by Women's Health and Genetics/Laboratory Corporation of America, LabCorp); PubMed 17915575 (cited by Claritas Genomics).